The following is an entry in ClinVar:

NM_006003.3(UQCRFS1):c.188C>G (p.Pro63Arg)

Genes: UQCRFS1 (ubiquinol-cytochrome c reductase, Rieske iron-sulfur polypeptide 1; minus strand), LOC130064117 (ATAC-STARR-seq lymphoblastoid silent region 10462; plus strand). Cytogenetic location: 19q12.
Variant type: single nucleotide variant.
Coding change: c.188C>G on transcript NM_006003.3 (MANE Select); coding-DNA position 188, C replaced by G.
Protein change: p.Pro63Arg; replaces proline 63 with arginine.
Molecular consequence: missense variant.
Genome position (GRCh38, 1-based): chr19:29,212,931, G>C on the plus strand (C>G on the coding strand, the complement: UQCRFS1 is on the minus strand). VCF-style: chr19-29212931-G-C. GRCh37 (hg19) VCF-style: chr19-29703838-G-C.
Other names: short protein forms P63R.
Identifiers: ClinVar variation 5003133 (VCV005003133.1).
Genomic context (GRCh38, chr19:29,212,931, plus strand): 5'-CCCAGCCCTGCTCGCGGCCCTCGCCCCGGCTCACCATTGAGGCCCACGGAGGCGACCAAA[G>C]GCCGGCGCACGGCCTGGCCGCTCAGCGACTCCCGGCTGAGGAAGGGCCGCTTCAGGTCCA-3'
Protein context (NP_005994.2, residues 53-73): ESLSGQAVRR[Pro63Arg]LVASVGLNVP

ClinVar aggregate classification (germline): Uncertain significance (1 of 4 stars; one submission).

Conditions:
Mitochondrial complex III deficiency, nuclear type 10. Also called: Mitochondrial complex 3 deficiency, nuclear type 10. Identifiers: MedGen C5394051, MONDO:0032909, OMIM 618775.

gnomAD v4.1: 1 of 1,415,540 alleles (0.000071%); highest among the groups gnomAD compares: Non-Finnish European, 0.000091%; no homozygotes.

Submission:

OLLIN Analises Genomicas, OLLIN
Classification: Uncertain significance for Mitochondrial complex III deficiency, nuclear type 10. Last evaluated: 2026-08-06. Review status: criteria provided, single submitter. Criteria: ACMG Guidelines 2015 PMID 25741868. Collection method: clinical testing. Allele origin: germline.
Comment: This missense variant, located in exon 1 (of 2), has been observed in gnomAD with an allele frequency of 0.0000706%, but has not been reported in ClinVar or identified in the literature. In silico analysis predicts that this variant has a tolerated effect. According to the currently available evidence, this variant has been classified as uncertain significance (PM2_P, BP4_M).